The following is an entry in ClinVar:

NM_000038.6(APC):c.328T>C (p.Cys110Arg)

Gene: APC (APC regulator of Wnt signaling pathway; plus strand). Cytogenetic location: 5q22.2.
Variant type: single nucleotide variant.
Coding change: c.328T>C on transcript NM_000038.6 (MANE Select); coding-DNA position 328, T replaced by C.
Protein change: p.Cys110Arg; replaces cysteine 110 with arginine.
Molecular consequence: missense variant. On other transcripts: 5 prime UTR variant (1).
Genome position (GRCh38, 1-based): chr5:112,767,296, T>C. VCF-style: chr5-112767296-T-C. GRCh37 (hg19) VCF-style: chr5-112102993-T-C.
Other names: c.328T>C, p.Cys110Arg (NM_001127510.3, NM_001354895.2, NM_001354896.2 and 2 more transcripts); c.358T>C, p.Cys120Arg (NM_001127511.3, NM_001354897.2, NM_001354902.2); c.253T>C, p.Cys85Arg (NM_001354898.2, NM_001354904.2); c.151T>C, p.Cys51Arg (NM_001354900.2, NM_001354901.2, NM_001354905.2); c.-708T>C (NM_001354906.2); short protein forms C110R, C120R, C85R, C51R.
Identifiers: ClinVar variation 571197 (VCV000571197.9), dbSNP rs751956779, ClinGen allele CA034896.

ClinVar aggregate classification (germline): Uncertain significance. Review status: criteria provided, multiple submitters, no conflicts (2 of 4 stars). 2 submissions from 2 submitters: Uncertain significance (2). Last evaluated 2025-05-06.

Conditions:
Hereditary cancer-predisposing syndrome. Also called: Hereditary neoplastic syndrome; Tumor predisposition; Neoplastic Syndromes, Hereditary; Hereditary Cancer Syndrome. Identifiers: Orphanet 140162, MedGen C0027672, MeSH D009386, MONDO:0015356.
Familial adenomatous polyposis 1 (FAP1). Also called: POLYPOSIS, ADENOMATOUS INTESTINAL; FAMILIAL ADENOMATOUS POLYPOSIS 1, ATTENUATED. Identifiers: MedGen C2713442, MONDO:0021056, OMIM 175100. Disease mechanism: loss of function.

Allele frequency attached by ClinVar (database versions not stated): gnomAD exomes below 0.00001; ExAC 0.00001; gnomAD 0.00001.
gnomAD v4.1: 4 of 1,613,980 alleles (0.00025%); highest among the groups gnomAD compares: African/African-American, 0.0013%; no homozygotes.

Submissions (2):

Labcorp Genetics (formerly Invitae), Labcorp
Classification: Uncertain significance for Familial adenomatous polyposis 1. Last evaluated: 2025-05-06. Review status: criteria provided, single submitter. Criteria: Invitae Variant Classification Sherloc (09022015). Collection method: clinical testing. Allele origin: germline.
Comment: This sequence change replaces cysteine, which is neutral and slightly polar, with arginine, which is basic and polar, at codon 110 of the APC protein (p.Cys110Arg). This variant is present in population databases (rs751956779, gnomAD 0.002%). This variant has not been reported in the literature in individuals affected with APC-related conditions. ClinVar contains an entry for this variant (Variation ID: 571197). Invitae Evidence Modeling of protein sequence and biophysical properties (such as structural, functional, and spatial information, amino acid conservation, physicochemical variation, residue mobility, and thermodynamic stability) indicates that this missense variant is not expected to disrupt APC protein function with a negative predictive value of 95%. In summary, the available evidence is currently insufficient to determine the role of this variant in disease. Therefore, it has been classified as a Variant of Uncertain Significance.

Ambry Genetics
Classification: Uncertain significance for Hereditary cancer-predisposing syndrome. Last evaluated: 2024-08-18. Review status: criteria provided, single submitter. Criteria: Ambry Variant Classification Scheme 2023. Collection method: clinical testing. Allele origin: germline.
Comment: The p.C110R variant (also known as c.328T>C), located in coding exon 3 of the APC gene, results from a T to C substitution at nucleotide position 328. The cysteine at codon 110 is replaced by arginine, an amino acid with highly dissimilar properties. This amino acid position is conserved. In addition, in silico predictors for this gene do not accurately predict pathogenicity. Based on the available evidence, the clinical significance of this variant remains unclear.